The following is an entry in ClinVar:

ClinVar aggregate classification (germline): Likely benign. Review status: criteria provided, multiple submitters, no conflicts (2 of 4 stars). 3 submissions from 3 submitters: Likely benign (3). Last evaluated 2025-12-29.

Conditions:
PEX6-related disorder. Also called: PEX6-related disorders; PEX6-related condition.
Peroxisome biogenesis disorder. Identifiers: Orphanet 79189, MedGen C1832200, MONDO:0019234. Disease mechanism: loss of function.

Allele frequency attached by ClinVar (database versions not stated): gnomAD exomes 0.00001 and 0.00002; ExAC 0.00002; TOPMed 0.00006; ESP Exome Variant Server 0.00008.
gnomAD v4.1: 6 of 1,614,130 alleles (0.00037%); highest among the groups gnomAD compares: Admixed American, 0.0083%; no homozygotes.

Submissions (3):

PreventionGenetics, part of Exact Sciences
Classification: Likely benign for PEX6-related condition. Last evaluated: 2025-12-29. Review status: criteria provided, single submitter. Criteria: ACMG Guidelines, 2015. Collection method: clinical testing. Allele origin: germline.
Comment: This variant is classified as likely benign based on ACMG/AMP sequence variant interpretation guidelines (Richards et al. 2015 PMID: 25741868, with internal and published modifications).

Labcorp Genetics (formerly Invitae), Labcorp
Classification: Likely benign for Peroxisome biogenesis disorder. Last evaluated: 2025-11-03. Review status: criteria provided, single submitter. Criteria: Invitae Variant Classification Sherloc (09022015). Collection method: clinical testing. Allele origin: germline.

Blueprint Genetics
Classification: Likely benign. Last evaluated: 2021-02-17. Review status: criteria provided, single submitter. Criteria: ACMG Guidelines, 2015. Collection method: clinical testing. Allele origin: germline.

NM_000287.4(PEX6):c.882+8A>G

Gene: PEX6 (peroxisomal biogenesis factor 6; minus strand). Cytogenetic location: 6p21.1.
Variant type: single nucleotide variant.
Coding change: c.882+8A>G on transcript NM_000287.4 (MANE Select); 8 bases into the intron after coding-DNA position 882, A replaced by G.
Molecular consequence: intron variant.
Genome position (GRCh38, 1-based): chr6:42,978,261, T>C on the plus strand (A>G on the coding strand, the complement: PEX6 is on the minus strand). VCF-style: chr6-42978261-T-C. GRCh37 (hg19) VCF-style: chr6-42945999-T-C.
Other names: c.618+272A>G (NM_001316313.2).
Identifiers: ClinVar variation 764068 (VCV000764068.13), dbSNP rs368663953, ClinGen allele CA3811541.